The following is an entry in ClinVar:

ClinVar aggregate classification (germline): Uncertain significance (1 of 4 stars; one submission).

Allele frequency attached by ClinVar (database versions not stated): ExAC 0.00004; gnomAD 0.00005; TOPMed 0.00007; gnomAD exomes 0.00014; ESP Exome Variant Server 0.00017.
gnomAD v4.1: 187 of 1,507,196 alleles (0.012%); highest among the groups gnomAD compares: Non-Finnish European, 0.016%; no homozygotes.

Submission:

Labcorp Genetics (formerly Invitae), Labcorp
Classification: Uncertain significance. Last evaluated: 2024-11-29. Review status: criteria provided, single submitter. Criteria: Invitae Variant Classification Sherloc (09022015). Collection method: clinical testing. Allele origin: germline.
Comment: This sequence change falls in intron 4 of the POC5 gene. It does not directly change the encoded amino acid sequence of the POC5 protein. It affects a nucleotide within the consensus splice site. This variant is present in population databases (rs374688049, gnomAD 0.01%). This variant has not been reported in the literature in individuals affected with POC5-related conditions. ClinVar contains an entry for this variant (Variation ID: 2082516). Variants that disrupt the consensus splice site are a relatively common cause of aberrant splicing (PMID: 17576681, 9536098). Algorithms developed to predict the effect of sequence changes on RNA splicing suggest that this variant may disrupt the consensus splice site. In summary, the available evidence is currently insufficient to determine the role of this variant in disease. Therefore, it has been classified as a Variant of Uncertain Significance.

Literature cited by the submitters: PubMed 17576681; PubMed 9536098.

NM_001099271.2(POC5):c.307+3A>G

Gene: POC5 (POC5 centriolar protein; minus strand). Cytogenetic location: 5q13.3.
Variant type: single nucleotide variant.
Coding change: c.307+3A>G on transcript NM_001099271.2 (MANE Select); 3 bases into the intron after coding-DNA position 307, A replaced by G.
Molecular consequence: intron variant.
Genome position (GRCh38, 1-based): chr5:75,705,701, T>C on the plus strand (A>G on the coding strand, the complement: POC5 is on the minus strand). VCF-style: chr5-75705701-T-C. GRCh37 (hg19) VCF-style: chr5-75001526-T-C.
Other names: c.232+3A>G (NM_152408.3).
Identifiers: ClinVar variation 2082516 (VCV002082516.4), dbSNP rs374688049, ClinGen allele CA3310609.
Genomic context (GRCh38, chr5:75,705,701, plus strand): 5'-ATAATATTCATCAAACCACAAAATGTTGTATATTAATACAAATAAGCTAAAGAAAAATCA[T>C]ACCATCTGTCTTTGAATGACTTGAAATATGGAAATCACATCCTTTTCCAACTTCTATTGC-3'